The following is an entry in ClinVar:

NM_005989.4(AKR1D1):c.*1095T>C

Gene: AKR1D1 (aldo-keto reductase family 1 member D1; plus strand). Cytogenetic location: 7q33.
Variant type: single nucleotide variant.
Coding change: c.*1095T>C on transcript NM_005989.4 (MANE Select); 1095 bases downstream of the stop codon, T replaced by C.
Molecular consequence: 3 prime UTR variant.
Genome position (GRCh38, 1-based): chr7:138,117,757, T>C. VCF-style: chr7-138117757-T-C. GRCh37 (hg19) VCF-style: chr7-137802503-T-C.
Other names: c.*1095T>C (NM_001190906.2); c.*1120T>C (NM_001190907.2).
Identifiers: ClinVar variation 358975 (VCV000358975.5), dbSNP rs61290940, ClinGen allele CA10628322.

ClinVar aggregate classification (germline): Benign (1 of 4 stars; one submission).

Conditions:
Congenital bile acid synthesis defect 2 (CBAS2). Also called: CHOLESTASIS WITH DELTA(4)-3-OXOSTEROID 5-BETA-REDUCTASE DEFICIENCY. Identifiers: Orphanet 79303, MedGen C1856127, MONDO:0009339, OMIM 235555.

Allele frequency attached by ClinVar (database versions not stated): gnomAD 0.04068; 1000 Genomes Project 0.04293; TOPMed 0.04325; 1000 Genomes Project 30x 0.04856.

Submission:

Illumina Laboratory Services, Illumina
Classification: Benign for Congenital bile acid synthesis defect 2. Last evaluated: 2018-01-13. Review status: criteria provided, single submitter. Criteria: ICSL Variant Classification Criteria 13 December 2019. Collection method: clinical testing. Allele origin: germline.
Comment: This variant was observed in the ICSL laboratory as part of a predisposition screen in an ostensibly healthy population. It had not been previously curated by ICSL or reported in the Human Gene Mutation Database (HGMD: prior to June 1st, 2018), and was therefore a candidate for classification through an automated scoring system. Utilizing variant allele frequency, disease prevalence and penetrance estimates, and inheritance mode, an automated score was calculated to assess if this variant is too frequent to cause the disease. Based on the score and internal cut-off values, a variant classified as benign is not then subjected to further curation. The score for this variant resulted in a classification of benign for this disease.